The following is an entry in ClinVar:

NM_000074.3(CD40LG):c.289-1G>A

Gene: CD40LG (CD40 ligand; plus strand). Cytogenetic location: Xq26.3.
Variant type: single nucleotide variant.
Coding change: c.289-1G>A on transcript NM_000074.3 (MANE Select); the canonical splice acceptor site of the intron before coding-DNA position 289, G replaced by A.
Molecular consequence: splice acceptor variant.
Genome position (GRCh38, 1-based): chrX:136,654,372, G>A. VCF-style: chrX-136654372-G-A. GRCh37 (hg19) VCF-style: chrX-135736531-G-A.
Identifiers: ClinVar variation 1423116 (VCV001423116.8), dbSNP rs2148552379, ClinGen allele CA414754468.

ClinVar aggregate classification (germline): Pathogenic (1 of 4 stars; one submission).

Conditions:
Hyper-IgM syndrome type 1. Also called: CD40 Ligand Deficiency; Hyper-IgM Immunodeficiency Syndrome, Type 1; X-linked hyper-IgM syndrome; Immunodeficiency, X-linked, with hyper-IgM. Identifiers: Orphanet 101088, MedGen C0398689, MONDO:0010626, OMIM 308230.

Submission:

Labcorp Genetics (formerly Invitae), Labcorp
Classification: Pathogenic for Hyper-IgM syndrome type 1. Last evaluated: 2022-08-23. Review status: criteria provided, single submitter. Criteria: Invitae Variant Classification Sherloc (09022015). Collection method: clinical testing. Allele origin: germline.
Comment: For these reasons, this variant has been classified as Pathogenic. Algorithms developed to predict the effect of sequence changes on RNA splicing suggest that this variant may disrupt the consensus splice site. ClinVar contains an entry for this variant (Variation ID: 1423116). This variant is also known as IVS2-1G>A. Disruption of this splice site has been observed in individual(s) with hyper IgM syndrome (PMID: 24929972, 25215306). This variant is not present in population databases (gnomAD no frequency). This sequence change affects an acceptor splice site in intron 2 of the CD40LG gene. It is expected to disrupt RNA splicing. Variants that disrupt the donor or acceptor splice site typically lead to a loss of protein function (PMID: 16199547), and loss-of-function variants in CD40LG are known to be pathogenic (PMID: 15319456).

Literature cited by the submitters: PubMed 24929972; PubMed 25215306; PubMed 16199547; PubMed 15319456.